The following is an entry in ClinVar:

ClinVar aggregate classification (germline): Uncertain significance. Review status: criteria provided, multiple submitters, no conflicts (2 of 4 stars). 2 submissions from 2 submitters: Uncertain significance (2). Last evaluated 2025-08-19.

Conditions:
RASopathy. Also called: rasopathies; Noonan spectrum disorder. Identifiers: Orphanet 536391, MedGen C5555857, MONDO:0021060.
Cardiovascular phenotype. Identifiers: MedGen CN230736.

gnomAD v4.1: 1 of 1,613,984 alleles (0.000062%); highest among the groups gnomAD compares: Non-Finnish European, 0.000085%; no homozygotes.

Submissions (2):

Ambry Genetics
Classification: Uncertain significance for Cardiovascular phenotype. Last evaluated: 2025-08-19. Review status: criteria provided, single submitter. Criteria: Ambry Variant Classification Scheme 2023. Collection method: clinical testing. Allele origin: germline.
Comment: The p.R294P variant (also known as c.881G>C), located in coding exon 6 of the CBL gene, results from a G to C substitution at nucleotide position 881. The arginine at codon 294 is replaced by proline, an amino acid with dissimilar properties. This amino acid position is conserved. In addition, this alteration is predicted to be deleterious by in silico analysis. Based on the available evidence, the clinical significance of this variant remains unclear.

Labcorp Genetics (formerly Invitae), Labcorp
Classification: Uncertain significance for RASopathy. Last evaluated: 2025-07-02. Review status: criteria provided, single submitter. Criteria: Invitae Variant Classification Sherloc (09022015). Collection method: clinical testing. Allele origin: germline.
Comment: This sequence change replaces arginine, which is basic and polar, with proline, which is neutral and non-polar, at codon 294 of the CBL protein (p.Arg294Pro). This variant is not present in population databases (gnomAD no frequency). This variant has not been reported in the literature in individuals affected with CBL-related conditions. Invitae Evidence Modeling of protein sequence and biophysical properties (such as structural, functional, and spatial information, amino acid conservation, physicochemical variation, residue mobility, and thermodynamic stability) indicates that this missense variant is expected to disrupt CBL protein function with a positive predictive value of 95%. In summary, the available evidence is currently insufficient to determine the role of this variant in disease. Therefore, it has been classified as a Variant of Uncertain Significance.

NM_005188.4(CBL):c.881G>C (p.Arg294Pro)

Gene: CBL (Cbl proto-oncogene; plus strand). Cytogenetic location: 11q23.3.
Variant type: single nucleotide variant.
Coding change: c.881G>C on transcript NM_005188.4 (MANE Select); coding-DNA position 881, G replaced by C.
Protein change: p.Arg294Pro; replaces arginine 294 with proline.
Molecular consequence: missense variant.
Genome position (GRCh38, 1-based): chr11:119,276,008, G>C. VCF-style: chr11-119276008-G-C. GRCh37 (hg19) VCF-style: chr11-119146718-G-C.
Other names: short protein forms R294P.
Identifiers: ClinVar variation 4219902 (VCV004219902.2).